The following is an entry in ClinVar:

ClinVar aggregate classification (germline): Uncertain significance (1 of 4 stars; one submission).

Conditions:
Inborn genetic diseases. Identifiers: MedGen C0950123, MeSH D030342.

gnomAD v4.1: 1 of 1,613,960 alleles (0.000062%); highest among the groups gnomAD compares: Non-Finnish European, 0.000085%; no homozygotes.

Submission:

Ambry Genetics
Classification: Uncertain significance for Inborn genetic diseases. Last evaluated: 2025-04-13. Review status: criteria provided, single submitter. Criteria: Ambry Variant Classification Scheme 2023. Collection method: clinical testing. Allele origin: germline.
Comment: The p.P37S variant (also known as c.109C>T), located in coding exon 2 of the USB1 gene, results from a C to T substitution at nucleotide position 109. The proline at codon 37 is replaced by serine, an amino acid with similar properties. This amino acid position is conserved. In addition, this alteration is predicted to be tolerated by in silico analysis. Based on the available evidence, the clinical significance of this variant remains unclear.

NM_024598.4(USB1):c.109C>T (p.Pro37Ser)

Gene: USB1 (U6 snRNA biogenesis phosphodiesterase 1; plus strand). Cytogenetic location: 16q21.
Variant type: single nucleotide variant.
Coding change: c.109C>T on transcript NM_024598.4 (MANE Select); coding-DNA position 109, C replaced by T.
Protein change: p.Pro37Ser; replaces proline 37 with serine.
Molecular consequence: missense variant. On other transcripts: 5 prime UTR variant (1).
Genome position (GRCh38, 1-based): chr16:58,002,489, C>T. VCF-style: chr16-58002489-C-T. GRCh37 (hg19) VCF-style: chr16-58036393-C-T.
Other names: c.109C>T, p.Pro37Ser (NM_001195302.2, NM_001204911.2, NM_001330569.2); c.-45C>T (NM_001330568.2); short protein forms P37S.
Identifiers: ClinVar variation 3978157 (VCV003978157.1).